The following is an entry in ClinVar:

NM_001286611.2(REPS1):c.350C>T (p.Ser117Phe)

Gene: REPS1 (RALBP1 associated Eps domain containing 1; minus strand). Cytogenetic location: 6q24.1.
Variant type: single nucleotide variant.
Coding change: c.350C>T on transcript NM_001286611.2 (MANE Select); coding-DNA position 350, C replaced by T.
Protein change: p.Ser117Phe; replaces serine 117 with phenylalanine.
Molecular consequence: missense variant.
Genome position (GRCh38, 1-based): chr6:138,945,625, G>A on the plus strand (C>T on the coding strand, the complement: REPS1 is on the minus strand). VCF-style: chr6-138945625-G-A. GRCh37 (hg19) VCF-style: chr6-139266762-G-A.
Other names: c.350C>T, p.Ser117Phe (NM_001128617.3, NM_001286612.2, NM_031922.5); short protein forms S117F.
Identifiers: ClinVar variation 4752404 (VCV004752404.1).

ClinVar aggregate classification (germline): Uncertain significance (1 of 4 stars; one submission).

gnomAD v4.1: 5 of 1,613,788 alleles (0.00031%); highest among the groups gnomAD compares: African/African-American, 0.0053%; no homozygotes.

Submission:

Labcorp Genetics (formerly Invitae), Labcorp
Classification: Uncertain significance. Last evaluated: 2025-10-22. Review status: criteria provided, single submitter. Criteria: Invitae Variant Classification Sherloc (09022015). Collection method: clinical testing. Allele origin: germline.
Comment: This sequence change replaces serine, which is neutral and polar, with phenylalanine, which is neutral and non-polar, at codon 117 of the REPS1 protein (p.Ser117Phe). This variant is present in population databases (rs544803378, gnomAD 0.008%). This variant has not been reported in the literature in individuals affected with REPS1-related conditions. Invitae Evidence Modeling of protein sequence and biophysical properties (such as structural, functional, and spatial information, amino acid conservation, physicochemical variation, residue mobility, and thermodynamic stability) has been performed for this missense variant. However, the output from this modeling did not meet the statistical confidence thresholds required to predict the impact of this variant on REPS1 protein function. Algorithms developed to predict the effect of sequence changes on RNA splicing suggest that this variant may create or strengthen a splice site. In summary, the available evidence is currently insufficient to determine the role of this variant in disease. Therefore, it has been classified as a Variant of Uncertain Significance.